The following is an entry in ClinVar:

ClinVar aggregate classification (germline): Uncertain significance. Review status: criteria provided, multiple submitters, no conflicts (2 of 4 stars). 2 submissions from 2 submitters: Uncertain significance (2). Last evaluated 2024-09-19.

Conditions:
Chuvash polycythemia. Also called: POLYCYTHEMIA, VHL-DEPENDENT. Identifiers: Orphanet 238557, MedGen C1837915, MONDO:0009892, OMIM 263400.
Von Hippel-Lindau syndrome (VHLS). Also called: von Hippel–Lindau syndrome; VHL syndrome; Von Hippel-Lindau. Identifiers: Orphanet 892, MedGen C0019562, MONDO:0008667, OMIM 193300. Disease mechanism: loss of function.
Hereditary cancer-predisposing syndrome. Also called: Neoplastic Syndromes, Hereditary; Tumor predisposition; Hereditary Cancer Syndrome; Hereditary neoplastic syndrome. Identifiers: Orphanet 140162, MedGen C0027672, MeSH D009386, MONDO:0015356.

Allele frequency attached by ClinVar (database versions not stated): gnomAD exomes 0.00001.
gnomAD v4.1: 6 of 1,614,052 alleles (0.00037%); highest among the groups gnomAD compares: Non-Finnish European, 0.00051%; no homozygotes.

Submissions (3):

Ambry Genetics
Classification: Uncertain significance for Hereditary cancer-predisposing syndrome. Last evaluated: 2024-09-19. Review status: criteria provided, single submitter. Criteria: Ambry Variant Classification Scheme 2023. Collection method: clinical testing. Allele origin: germline.
Comment: The p.T133S variant (also known as c.398C>G), located in coding exon 2 of the VHL gene, results from a C to G substitution at nucleotide position 398. The threonine at codon 133 is replaced by serine, an amino acid with similar properties. In an assay testing VHL function, this variant showed a functionally normal result (Buckley M et al. Nat Genet, 2024 Jul;56:1446-1455). This amino acid position is well conserved in available vertebrate species. In addition, the in silico prediction for this alteration is inconclusive. Based on the available evidence, the clinical significance of this variant remains unclear.

Labcorp Genetics (formerly Invitae), Labcorp
Classification: Uncertain significance for Von Hippel-Lindau syndrome; Chuvash polycythemia. Last evaluated: 2023-04-06. Review status: criteria provided, single submitter. Criteria: Invitae Variant Classification Sherloc (09022015). Collection method: clinical testing. Allele origin: germline.
Comment: This sequence change replaces threonine, which is neutral and polar, with serine, which is neutral and polar, at codon 133 of the VHL protein (p.Thr133Ser). This variant is not present in population databases (gnomAD no frequency). This variant has not been reported in the literature in individuals affected with VHL-related conditions. Advanced modeling of protein sequence and biophysical properties (such as structural, functional, and spatial information, amino acid conservation, physicochemical variation, residue mobility, and thermodynamic stability) performed at Invitae indicates that this missense variant is expected to disrupt VHL protein function. In summary, the available evidence is currently insufficient to determine the role of this variant in disease. Therefore, it has been classified as a Variant of Uncertain Significance.

Dr. Peter K. Rogan Lab, Western University
No classification provided (evidence only). Condition: Ovarian serous cystadenocarcinoma. Review status: no classification provided. Collection method: in vitro. Allele origin: not applicable. Functional consequence: skipped exon, retained intron. Not counted in ClinVar's aggregate classification.

Literature cited by the submitters: PubMed 38969834 (cited by Ambry Genetics).

NM_000551.4(VHL):c.398C>G (p.Thr133Ser)

Genes: VHL (von Hippel-Lindau tumor suppressor; plus strand), LOC107303340 (3p25 von Hippel-Lindau tumor suppressor, E3 ubiquitin protein ligase Alu-mediated recombination region; plus strand). Cytogenetic location: 3p25.3.
Variant type: single nucleotide variant.
Coding change: c.398C>G on transcript NM_000551.4 (MANE Select); coding-DNA position 398, C replaced by G.
Protein change: p.Thr133Ser; replaces threonine 133 with serine.
Molecular consequence: missense variant. On other transcripts: non-coding transcript variant (1), intron variant (2).
Genome position (GRCh38, 1-based): chr3:10,146,571, C>G. VCF-style: chr3-10146571-C-G. GRCh37 (hg19) VCF-style: chr3-10188255-C-G.
Other names: c.*18-3216C>G (NM_001354723.2); c.341-3216C>G (NM_198156.3); short protein forms T133S.
Identifiers: ClinVar variation 2928273 (VCV002928273.5), dbSNP rs1060503565, ClinGen allele CA351753986.
Genomic context (GRCh38, chr3:10,146,571, plus strand): 5'-TAGGTCACCTTTGGCTCTTCAGAGATGCAGGGACACACGATGGGCTTCTGGTTAACCAAA[C>G]TGAATTATTTGTGCCATCTCTCAATGTTGACGGACAGCCTATTTTTGCCAATATCACACT-3'
Protein context (NP_000542.1, residues 123-143): GTHDGLLVNQ[Thr133Ser]ELFVPSLNVD